The following is an entry in ClinVar:

NM_006623.4(PHGDH):c.356+2T>G

Gene: PHGDH (phosphoglycerate dehydrogenase; plus strand). Cytogenetic location: 1p12.
Variant type: single nucleotide variant.
Coding change: c.356+2T>G on transcript NM_006623.4 (MANE Select); the canonical splice donor site of the intron after coding-DNA position 356, T replaced by G.
Molecular consequence: splice donor variant.
Genome position (GRCh38, 1-based): chr1:119,723,443, T>G. VCF-style: chr1-119723443-T-G. GRCh37 (hg19) VCF-style: chr1-120266066-T-G.
Identifiers: ClinVar variation 1484958 (VCV001484958.6), dbSNP rs1651264976, ClinGen allele CA341847523.

ClinVar aggregate classification (germline): Likely pathogenic (1 of 4 stars; one submission).

Conditions:
PHGDH deficiency. Identifiers: Orphanet 79351, MedGen C1866174, MONDO:0011152, OMIM 601815.

Allele frequency attached by ClinVar (database versions not stated): TOPMed below 0.00001.

Submission:

Labcorp Genetics (formerly Invitae), Labcorp
Classification: Likely pathogenic for PHGDH deficiency. Last evaluated: 2023-05-02. Review status: criteria provided, single submitter. Criteria: Invitae Variant Classification Sherloc (09022015). Collection method: clinical testing. Allele origin: germline.
Comment: In summary, the currently available evidence indicates that the variant is pathogenic, but additional data are needed to prove that conclusively. Therefore, this variant has been classified as Likely Pathogenic. Algorithms developed to predict the effect of sequence changes on RNA splicing suggest that this variant may disrupt the consensus splice site. ClinVar contains an entry for this variant (Variation ID: 1484958). This variant has not been reported in the literature in individuals affected with PHGDH-related conditions. This variant is not present in population databases (gnomAD no frequency). This sequence change affects a donor splice site in intron 3 of the PHGDH gene. It is expected to disrupt RNA splicing. Variants that disrupt the donor or acceptor splice site typically lead to a loss of protein function (PMID: 16199547), and loss-of-function variants in PHGDH are known to be pathogenic (PMID: 14645240, 24836451).

Literature cited by the submitters: PubMed 16199547; PubMed 14645240; PubMed 24836451.